The following is an entry in ClinVar:

ClinVar aggregate classification (germline): Uncertain significance (0 of 4 stars; one submission).

Submission:

Department of Pathology and Laboratory Medicine, Sinai Health System
Classification: Uncertain significance. Review status: no assertion criteria provided. Collection method: clinical testing. Allele origin: unknown. Affected: yes. Study: The Canadian Open Genetics Repository (COGR).
Comment: The PRPF3 p.Arg450Lys variant was not identified in the literature nor was it identified in dbSNP, ClinVar, LOVD 3.0 or in the following control databases: the 1000 Genomes Project, the NHLBI GO Exome Sequencing Project, the Exome Aggregation Consortium (August 8th 2016), or the Genome Aggregation Database (March 6, 2019, v2.1.1). The p.Arg450 residue is conserved in mammals and computational analyses (PolyPhen-2, SIFT, AlignGVGD, BLOSUM, MutationTaster) provide inconsistent predictions regarding the impact to the protein; this information is not very predictive of pathogenicity. The variant occurs outside of the splicing consensus sequence and in silico or computational prediction software programs (SpliceSiteFinder, MaxEntScan, NNSPLICE, GeneSplicer) do not predict a difference in splicing. In summary, based on the above information the clinical significance of this variant cannot be determined with certainty at this time. This variant is classified as a variant of uncertain significance.

NM_004698.4(PRPF3):c.1349G>A (p.Arg450Lys)

Gene: PRPF3 (pre-mRNA processing factor 3; plus strand). Cytogenetic location: 1q21.2.
Variant type: single nucleotide variant.
Coding change: c.1349G>A on transcript NM_004698.4 (MANE Select); coding-DNA position 1349, G replaced by A.
Protein change: p.Arg450Lys; replaces arginine 450 with lysine.
Molecular consequence: missense variant. On other transcripts: non-coding transcript variant (4).
Genome position (GRCh38, 1-based): chr1:150,343,375, G>A. VCF-style: chr1-150343375-G-A. GRCh37 (hg19) VCF-style: chr1-150315851-G-A.
Other names: c.944G>A, p.Arg315Lys (NM_001350529.1); short protein forms R315K, R450K.
Identifiers: ClinVar variation 1050706 (VCV001050706.1), dbSNP rs2102010005, ClinGen allele CA342279803.
Genomic context (GRCh38, chr1:150,343,375, plus strand): 5'-ATGACACACCAGTTACTCTGGGAGTATATCTTACCAAGAAGGAACAGAAAAAACTTCGGA[G>A]ACAAACAAGGAGGGAAGCACAGAAGGAACTACAAGAAAAAGTCAGGCTGGGCCTGATGCC-3'
Protein context (NP_004689.1, residues 440-460): LTKKEQKKLR[Arg450Lys]QTRREAQKEL